The following is an entry in ClinVar:

NM_006236.3(POU3F3):c.770C>A (p.Pro257Gln)

Gene: POU3F3 (POU class 3 homeobox 3; plus strand). Cytogenetic location: 2q12.1.
Variant type: single nucleotide variant.
Coding change: c.770C>A on transcript NM_006236.3 (MANE Select); coding-DNA position 770, C replaced by A.
Protein change: p.Pro257Gln; replaces proline 257 with glutamine.
Molecular consequence: missense variant.
Genome position (GRCh38, 1-based): chr2:104,856,280, C>A. VCF-style: chr2-104856280-C-A. GRCh37 (hg19) VCF-style: chr2-105472738-C-A.
Other names: short protein forms P257Q.
Identifiers: ClinVar variation 3776510 (VCV003776510.1).

ClinVar aggregate classification (germline): Uncertain significance (1 of 4 stars; one submission).

Submission:

GeneDx
Classification: Uncertain significance. Last evaluated: 2024-10-03. Review status: criteria provided, single submitter. Criteria: GeneDx Variant Classification Process June 2021. Collection method: clinical testing. Allele origin: germline. Affected: yes.
Comment: Not observed at significant frequency in large population cohorts (gnomAD); In silico analysis indicates that this missense variant does not alter protein structure/function; Has not been previously published as pathogenic or benign to our knowledge